The following is an entry in ClinVar:

ClinVar aggregate classification (germline): Uncertain significance (1 of 4 stars; one submission).

Conditions:
Gamma-aminobutyric acid transaminase deficiency (GABATD). Also called: GABA transaminase deficiency; Gamma aminobutyrate transaminase deficiency; 4 alpha aminobutyrate transaminase deficiency; GABA aminotransaminase deficiency. Identifiers: Orphanet 2066, MedGen C0342708, MONDO:0013166, OMIM 613163.

Submission:

Labcorp Genetics (formerly Invitae), Labcorp
Classification: Uncertain significance for Gamma-aminobutyric acid transaminase deficiency. Last evaluated: 2022-04-03. Review status: criteria provided, single submitter. Criteria: Invitae Variant Classification Sherloc (09022015). Collection method: clinical testing. Allele origin: unknown.
Comment: In summary, the available evidence is currently insufficient to determine the role of this variant in disease. Therefore, it has been classified as a Variant of Uncertain Significance. Experimental studies and prediction algorithms are not available or were not evaluated, and the functional significance of this variant is currently unknown. This variant has not been reported in the literature in individuals affected with ABAT-related conditions. This variant results in a copy number gain of the genomic region encompassing exon(s) 13-16 of the ABAT gene. This region includes the termination codon of the gene. This copy number gain extends beyond the assayed region for this gene and therefore may encompass additional genes. As the precise location of this event is unknown, it may be in tandem or it may be located elsewhere in the genome.

NC_000016.9:g.(?_8868727)_(8875287_?)dup

Gene: ABAT (4-aminobutyrate aminotransferase; plus strand). Cytogenetic location: 16p13.2.
Variant type: Duplication.
Identifiers: ClinVar variation 3243342 (VCV003243342.1).